The following is an entry in ClinVar:

ClinVar aggregate classification (germline): Uncertain significance (1 of 4 stars; one submission).

Submission:

Labcorp Genetics (formerly Invitae), Labcorp
Classification: Uncertain significance. Last evaluated: 2023-08-04. Review status: criteria provided, single submitter. Criteria: Invitae Variant Classification Sherloc (09022015). Collection method: clinical testing. Allele origin: germline.
Comment: This variant is present in population databases (no rsID available, gnomAD 0.0009%). This variant, c.456_458del, results in the deletion of 1 amino acid(s) of the RFWD3 protein (p.Arg154del), but otherwise preserves the integrity of the reading frame. In summary, the available evidence is currently insufficient to determine the role of this variant in disease. Therefore, it has been classified as a Variant of Uncertain Significance. Experimental studies and prediction algorithms are not available or were not evaluated, and the functional significance of this variant is currently unknown. This variant has not been reported in the literature in individuals affected with RFWD3-related conditions.

NM_018124.4(RFWD3):c.453AAG[1] (p.Arg154del)

Gene: RFWD3 (ring finger and WD repeat domain 3; minus strand). Cytogenetic location: 16q23.1.
Variant type: Microsatellite.
Coding change: c.453AAG[1] on transcript NM_018124.4 (MANE Select); one copy of the 3-base unit AAG starting at c.453; the reference has two copies in a row; one copy, 3 bases deleted.
Protein change: p.Arg154del; deletes arginine 154.
Molecular consequence: inframe deletion. On other transcripts: 5 prime UTR variant (4), intron variant (1).
Genome position (GRCh38, 1-based): chr16:74,660,992-74,660,994, CTT deleted on the plus strand (AAG on the coding strand, the reverse complement: RFWD3 is on the minus strand); deleting any 3 consecutive bases within chr16:74,660,992-74,660,997 gives the same sequence; the position shown is the placement nearest the transcript's 3' end. VCF-style (leftmost placement, unchanged base first): chr16-74660991-CCTT-C. GRCh37 (hg19) VCF-style: chr16-74694889-CCTT-C.
Other names: c.453AAG[1], p.Arg154del (NM_001370534.1, NM_001370535.1, NM_001370536.1); c.-556AAG[1] (NM_001370537.1); c.-179AAG[1] (NM_001370539.1); c.-179_-177AAG[1] (NM_001370541.1); c.-433AAG[1] (NM_001370542.1); c.-311AAG[1] (NM_001370543.1); c.-317+3630_-317+3632del (NM_001370540.1); short protein forms R154del.
Identifiers: ClinVar variation 3001392 (VCV003001392.3), dbSNP rs1338151030, ClinGen allele CA623582214.